The following is an entry in ClinVar:

ClinVar aggregate classification (germline): Uncertain significance (1 of 4 stars; one submission).

Submission:

GeneDx
Classification: Uncertain significance. Last evaluated: 2023-12-21. Review status: criteria provided, single submitter. Criteria: GeneDx Variant Classification Process June 2021. Collection method: clinical testing. Allele origin: germline. Affected: yes.
Comment: Not observed at significant frequency in large population cohorts (gnomAD); In silico analysis supports that this missense variant does not alter protein structure/function; Has not been previously published as pathogenic or benign to our knowledge

NM_002474.3(MYH11):c.5823G>T (p.Arg1941Ser)

Genes: MYH11 (myosin heavy chain 11; minus strand), NDE1 (nudE neurodevelopment protein 1; plus strand). Cytogenetic location: 16p13.11.
Variant type: single nucleotide variant.
Coding change: c.5823G>T on transcript NM_002474.3 (MANE Select); coding-DNA position 5823, G replaced by T.
Protein change: p.Arg1941Ser; replaces arginine 1941 with serine.
Molecular consequence: missense variant. On other transcripts: 3 prime UTR variant (2), intron variant (2).
Genome position (GRCh38, 1-based): chr16:15,704,087, C>A on the plus strand (G>T on the coding strand, the complement: MYH11 is on the minus strand). VCF-style: chr16-15704087-C-A. GRCh37 (hg19) VCF-style: chr16-15797944-C-A.
Other names: c.*45G>T (NM_001040113.2, NM_022844.3); c.5844G>T, p.Arg1948Ser (NM_001040114.2); c.947+7227C>A (NM_001143979.2, NM_017668.3); short protein forms R1941S, R1948S.
Identifiers: ClinVar variation 3370234 (VCV003370234.1).
Genomic context (GRCh38, chr16:15,704,087, plus strand): 5'-TCGAGTGTCCGTTTCCTCCTCAGAACCATCTGCATTTTCAATAACTCTACGTCCTCCAGA[C>A]CTTCTAGAAGGAACGAAAGAGGTCTCGTTTCCTCGCCTGTGGGTTGTAAGAAAACACATT-3'
Protein context (NP_002465.1, residues 1931-1951): GNETSFVPSR[Arg1941Ser]SGGRRVIENA